The following is an entry in ClinVar:

ClinVar aggregate classification (germline): Uncertain significance (1 of 4 stars; one submission).

gnomAD v4.1: 16 of 1,606,184 alleles (0.001%); highest among the groups gnomAD compares: African/African-American, 0.0094%; no homozygotes.

Submissions (2):

Women's Health and Genetics/Laboratory Corporation of America, LabCorp
Classification: Uncertain significance. Last evaluated: 2026-04-15. Review status: criteria provided, single submitter. Criteria: LabCorp Variant Classification Summary - May 2015. Collection method: clinical testing. Allele origin: germline.
Comment: Variant summary: AEBP1 c.802C>T (p.Arg268Trp) results in a non-conservative amino acid change in the encoded protein sequence. Algorithms developed to predict the effect of missense changes on protein structure and function are either unavailable or do not agree on the potential impact of this missense change. The frequency data for this variant in gnomAD is considered unreliable, as metrics indicate poor data quality at this position. To our knowledge, no occurrence of c.802C>T in individuals affected with AEBP1-related conditions and no experimental evidence demonstrating its impact on protein function have been reported. ClinVar contains an entry for this variant (Variation ID: 4337689). Based on the evidence outlined above, the variant was classified as uncertain significance.

Dr. Peter K. Rogan Lab, Western University
No classification provided (evidence only). Condition: Clear cell carcinoma of kidney. Review status: no classification provided. Collection method: in vitro. Allele origin: not applicable. Functional consequence: retained intron. Not counted in ClinVar's aggregate classification.

NM_001129.5(AEBP1):c.802C>T (p.Arg268Trp)

Gene: AEBP1 (AE binding protein 1; plus strand). Cytogenetic location: 7p13.
Variant type: single nucleotide variant.
Coding change: c.802C>T on transcript NM_001129.5 (MANE Select); coding-DNA position 802, C replaced by T.
Protein change: p.Arg268Trp; replaces arginine 268 with tryptophan.
Molecular consequence: missense variant.
Genome position (GRCh38, 1-based): chr7:44,107,871, C>T. VCF-style: chr7-44107871-C-T. GRCh37 (hg19) VCF-style: chr7-44147470-C-T.
Other names: NC_000007.13:g.44147470C>T; short protein forms R268W.
Identifiers: ClinVar variation 4337689 (VCV004337689.2).
Genomic context (GRCh38, chr7:44,107,871, plus strand): 5'-GAGTACATTCGGCGCCAGAAGCAACCCAGGCCACCCCCAAGCAGAAGGAGGAGGCCCGAG[C>T]GGGTCTGGCCAGAGCCCCCTGAGGAGAAGGCCCCGGCCCCAGCCCCGGAGGAGAGGATTG-3'
Protein context (NP_001120.3, residues 258-278): PPPSRRRRPE[Arg268Trp]VWPEPPEEKA